The following is an entry in ClinVar:

NM_006204.4(PDE6C):c.124G>A (p.Val42Met)

Gene: PDE6C (phosphodiesterase 6C; plus strand). Cytogenetic location: 10q23.33.
Variant type: single nucleotide variant.
Coding change: c.124G>A on transcript NM_006204.4 (MANE Select); coding-DNA position 124, G replaced by A.
Protein change: p.Val42Met; replaces valine 42 with methionine.
Molecular consequence: missense variant.
Genome position (GRCh38, 1-based): chr10:93,612,849, G>A. VCF-style: chr10-93612849-G-A. GRCh37 (hg19) VCF-style: chr10-95372606-G-A.
Other names: short protein forms V42M.
Identifiers: ClinVar variation 301616 (VCV000301616.14), dbSNP rs774245507, ClinGen allele CA5609765.

ClinVar aggregate classification (germline): Uncertain significance. Review status: criteria provided, multiple submitters, no conflicts (2 of 4 stars). 5 submissions from 4 submitters: Uncertain significance (5). Last evaluated 2026-08-04.

Conditions:
PDE6C-related disorder. Also called: PDE6C-related condition.
Inborn genetic diseases. Identifiers: MedGen C0950123, MeSH D030342.
Achromatopsia. Also called: Rod monochromatism. Identifiers: Orphanet 49382, MedGen C0152200, MONDO:0018852, HP:0011516.
Cone dystrophy 4 (COD4). Identifiers: Orphanet 49382, MedGen C2751308, MONDO:0013129, OMIM 613093.

Allele frequency attached by ClinVar (database versions not stated): gnomAD exomes below 0.00001 and 0.00002; ExAC 0.00001; gnomAD 0.00006; TOPMed 0.00006.
gnomAD v4.1: 15 of 1,614,046 alleles (0.00093%); highest among the groups gnomAD compares: Admixed American, 0.017%; no homozygotes.

Submissions (5):

PreventionGenetics, part of Exact Sciences
Classification: Uncertain significance for PDE6C-related condition. Last evaluated: 2026-08-04. Review status: criteria provided, single submitter. Criteria: ACMG Guidelines, 2015. Collection method: clinical testing. Allele origin: germline.
Comment: The PDE6C c.124G>A variant is predicted to result in the amino acid substitution p.Val42Met. To our knowledge, this variant has not been reported in the literature. This variant is reported in 0.0085% of alleles in individuals of Latino descent in gnomAD. At this time, the clinical significance of this variant is uncertain due to the absence of conclusive functional and genetic evidence.

Ambry Genetics
Classification: Uncertain significance for Inborn genetic diseases. Last evaluated: 2024-01-03. Review status: criteria provided, single submitter. Criteria: Ambry Variant Classification Scheme 2023. Collection method: clinical testing. Allele origin: germline.

Labcorp Genetics (formerly Invitae), Labcorp
Classification: Uncertain significance. Last evaluated: 2022-08-22. Review status: criteria provided, single submitter. Criteria: Invitae Variant Classification Sherloc (09022015). Collection method: clinical testing. Allele origin: germline.
Comment: This sequence change replaces valine, which is neutral and non-polar, with methionine, which is neutral and non-polar, at codon 42 of the PDE6C protein (p.Val42Met). This variant is present in population databases (rs774245507, gnomAD 0.009%). In summary, the available evidence is currently insufficient to determine the role of this variant in disease. Therefore, it has been classified as a Variant of Uncertain Significance. Algorithms developed to predict the effect of missense changes on protein structure and function (SIFT, PolyPhen-2, Align-GVGD) all suggest that this variant is likely to be tolerated. ClinVar contains an entry for this variant (Variation ID: 301616). This variant has not been reported in the literature in individuals affected with PDE6C-related conditions.

Illumina Laboratory Services, Illumina
Classification: Uncertain significance for Cone dystrophy 4. Last evaluated: 2018-01-12. Review status: criteria provided, single submitter. Criteria: ICSL Variant Classification Criteria 13 December 2019. Collection method: clinical testing. Allele origin: germline.

Illumina Laboratory Services, Illumina
Classification: Uncertain significance for Achromatopsia. Last evaluated: 2018-01-12. Review status: criteria provided, single submitter. Criteria: ICSL Variant Classification Criteria 13 December 2019. Collection method: clinical testing. Allele origin: germline.